The following is an entry in ClinVar:

ClinVar aggregate classification (germline): Pathogenic/Likely pathogenic. Review status: criteria provided, multiple submitters, no conflicts (2 of 4 stars). 2 submissions from 2 submitters: Pathogenic (1); Likely pathogenic (1). Last evaluated 2025-05-22.

Conditions:
Cholestanol storage disease (CTX). Also called: Cerebrotendinous Xanthomatosis; CEREBRAL CHOLESTERINOSIS; CTX: Cerebrotendinous xanthomatosis. Identifiers: Orphanet 909, MedGen C0238052, MONDO:0008948, OMIM 213700.

Submissions (2):

Natera, Inc.
Classification: Likely pathogenic for Cerebrotendinous xanthomatosis. Last evaluated: 2025-05-22. Review status: criteria provided, single submitter. Criteria: Natera Variant Classification Schema (03/2026). Collection method: clinical testing. Allele origin: germline.
Comment: The c.639del variant in CYP27A1 is a frameshift variant predicted to shift the reading frame beginning at codon 214 and leads to a stop codon 25 codons downstream. This variant is expected to result in nonsense mediated decay, truncation, or a dysfunctional protein product. This variant is rare in the general population with a frequency below the threshold expected for the associated phenotype(s). Given the available evidence, this variant is classified as Likely Pathogenic.

Labcorp Genetics (formerly Invitae), Labcorp
Classification: Pathogenic for Cholestanol storage disease. Last evaluated: 2023-02-17. Review status: criteria provided, single submitter. Criteria: Invitae Variant Classification Sherloc (09022015). Collection method: clinical testing. Allele origin: germline.
Comment: This sequence change creates a premature translational stop signal (p.Leu214Trpfs*25) in the CYP27A1 gene. It is expected to result in an absent or disrupted protein product. Loss-of-function variants in CYP27A1 are known to be pathogenic (PMID: 9392430, 10775536, 26937392). This variant is not present in population databases (gnomAD no frequency). This variant has not been reported in the literature in individuals affected with CYP27A1-related conditions. For these reasons, this variant has been classified as Pathogenic.

Literature cited by the submitters: PubMed 9392430 (cited by Labcorp Genetics (formerly Invitae), Labcorp); PubMed 10775536 (cited by Labcorp Genetics (formerly Invitae), Labcorp); PubMed 26937392 (cited by Labcorp Genetics (formerly Invitae), Labcorp).

NM_000784.4(CYP27A1):c.639del (p.Leu214fs)

Gene: CYP27A1 (cytochrome P450 family 27 subfamily A member 1; plus strand). Cytogenetic location: 2q35.
Variant type: Deletion.
Coding change: c.639del on transcript NM_000784.4 (MANE Select); coding-DNA position 639, one base deleted (C; older notation c.639delC).
Protein change: p.Leu214fs; shifts the reading frame from leucine 214.
Molecular consequence: frameshift variant.
Genome position (GRCh38, 1-based): chr2:218,812,414, C deleted; the last of 2 consecutive C bases (chr2:218,812,413-218,812,414); deleting either gives the same sequence. VCF-style (leftmost placement, unchanged base first): chr2-218812412-GC-G. GRCh37 (hg19) VCF-style: chr2-219677135-GC-G.
Other names: c.639del (NM_000784.3); short protein forms L214fs.
Identifiers: ClinVar variation 2838476 (VCV002838476.5), dbSNP rs2470226691, ClinGen allele CA2739278976.